The following is an entry in ClinVar:

NM_003797.5(EED):c.73A>G (p.Ser25Gly)

Gene: EED (embryonic ectoderm development; plus strand). Cytogenetic location: 11q14.2.
Variant type: single nucleotide variant.
Coding change: c.73A>G on transcript NM_003797.5 (MANE Select); coding-DNA position 73, A replaced by G.
Protein change: p.Ser25Gly; replaces serine 25 with glycine.
Molecular consequence: missense variant.
Genome position (GRCh38, 1-based): chr11:86,245,302, A>G. VCF-style: chr11-86245302-A-G. GRCh37 (hg19) VCF-style: chr11-85956344-A-G.
Other names: c.73A>G, p.Ser25Gly (NM_001308007.2, NM_001330334.2); short protein forms S25G.
Identifiers: ClinVar variation 931185 (VCV000931185.3), dbSNP rs1459981515, ClinGen allele CA382061154.

ClinVar aggregate classification (germline): Uncertain significance (1 of 4 stars; one submission).

Conditions:
Cohen-Gibson syndrome (COGIS). Also called: EED-Related Overgrowth. Identifiers: Orphanet 659396, MedGen C4479654, MONDO:0060510, OMIM 617561.

Allele frequency attached by ClinVar (database versions not stated): gnomAD exomes below 0.00001 and 0.00001; gnomAD 0.00001; TOPMed 0.00001.
gnomAD v4.1: 14 of 1,613,430 alleles (0.00087%); highest among the groups gnomAD compares: Non-Finnish European, 0.0011%; no homozygotes.

Submission:

Centre for Mendelian Genomics, University Medical Centre Ljubljana
Classification: Uncertain significance for Cohen-Gibson syndrome. Last evaluated: 2020-04-02. Review status: criteria provided, single submitter. Criteria: ACMG Guidelines, 2015. Collection method: clinical testing. Allele origin: unknown. Affected: yes.
Comment: This variant was classified as: Uncertain significance. The available evidence on this variant's pathogenicity is insufficient or conflicting. The following ACMG criteria were applied in classifying this variant: PP3,BS2.